The following is an entry in ClinVar:

ClinVar aggregate classification (germline): Pathogenic/Likely pathogenic. Review status: criteria provided, multiple submitters, no conflicts (2 of 4 stars). 3 submissions from 3 submitters: Pathogenic (1); Likely pathogenic (1). 1 of the submissions does not count toward it. Last evaluated 2025-04-10.

Conditions:
F7-related disorder. Also called: F7-related condition.
Factor VII deficiency. Also called: Factor 7 deficiency; F7 DEFICIENCY; HYPOPROCONVERTINEMIA. Identifiers: MedGen C0015503, MeSH D005168, MONDO:0002244.
Bleeding and platelet disorders.
Congenital factor VII deficiency. Identifiers: Orphanet 327, MedGen C0272320, MONDO:0009211, OMIM 227500.

Allele frequency attached by ClinVar (database versions not stated): gnomAD exomes 0.00001; ExAC 0.00011.
gnomAD v4.1: 9 of 1,557,118 alleles (0.00058%); highest among the groups gnomAD compares: South Asian, 0.011%; no homozygotes.

Submissions (3):

North West Genomic Laboratory Hub, Manchester University NHS Foundation Trust
Classification: Likely pathogenic for Factor VII deficiency; Bleeding and platelet disorders. Last evaluated: 2025-04-10. Review status: criteria provided, single submitter. Criteria: ACGS Best Practice Guidelines for Variant Classification in Rare Disease 2024. Collection method: clinical testing. Allele origin: germline. Affected: yes.
Comment: PP3_Supp PM3_Mod PP4_Mod PM2_Mod

Women's Health and Genetics/Laboratory Corporation of America, LabCorp
Classification: Pathogenic for Congenital factor VII deficiency. Last evaluated: 2024-10-28. Review status: criteria provided, single submitter. Criteria: LabCorp Variant Classification Summary - May 2015. Collection method: clinical testing. Allele origin: germline.
Comment: Variant summary: F7 c.244T>C (p.Cys82Arg) results in a non-conservative amino acid change located in the Gamma-carboxyglutamic acid-rich (GLA) domain (IPR000294) of the encoded protein sequence. Five of five in-silico tools predict a damaging effect of the variant on protein function. The variant allele was found at a frequency of 2.4e-05 in 164550 control chromosomes. c.244T>C has been reported in the literature in multiple homozygous individuals and a heterozygous individual affected with clinical features of Congenital factor VII deficiency (Borhany_2013, Fromovich-Amit_2004). These data indicate that the variant is very likely to be associated with disease. At least one publication reports experimental evidence evaluating an impact on protein function. The most pronounced variant effect results in significantly reduced secretion of F7 (Fromovich-Amit_2004). The following publications have been ascertained in the context of this evaluation (PMID: 23731332, 15456489). ClinVar contains an entry for this variant (Variation ID: 3029413). Based on the evidence outlined above, the variant was classified as pathogenic.

PreventionGenetics, part of Exact Sciences
Classification: Likely pathogenic for F7-related condition. Last evaluated: 2024-01-19. Review status: no assertion criteria provided. Collection method: clinical testing. Allele origin: germline. Not counted in ClinVar's aggregate classification.
Comment: The F7 c.244T>C variant is predicted to result in the amino acid substitution p.Cys82Arg. This variant (aka p.Cys22Arg) has been reported in an individual with Factor VII deficiency and functional studies showed this variant reduces factor VII activity (Fromovich-Amit et al. 2004. PubMed ID: 15456489). Additionally, different missense substitutions at this same codon (p.Cys82Phe, p.Cys82Gly, p.Cys82Tyr) have been reported in individuals with factor VII deficiency (Mariani et al. 2005. PubMed ID: 15735798; Shigekiyo et al. 2015. PubMed ID: 26517065; Borhany et al. 2013. PubMed ID: 23731332) suggesting that substitution of amino acid residue p.Cys82 is not tolerated. This variant is reported in 0.017% of alleles in individuals of South Asian descent in gnomAD. This variant is interpreted as likely pathogenic.

Literature cited by the submitters: PubMed 23731332 (cited by Women's Health and Genetics/Laboratory Corporation of America, LabCorp); PubMed 15456489 (cited by Women's Health and Genetics/Laboratory Corporation of America, LabCorp).

NM_019616.4(F7):c.178T>C (p.Cys60Arg)

Gene: F7 (coagulation factor VII; plus strand). Cytogenetic location: 13q34.
Variant type: single nucleotide variant.
Coding change: c.178T>C on transcript NM_019616.4 (MANE Select); coding-DNA position 178, T replaced by C.
Protein change: p.Cys60Arg; replaces cysteine 60 with arginine.
Molecular consequence: missense variant. On other transcripts: non-coding transcript variant (1), intron variant (1).
Genome position (GRCh38, 1-based): chr13:113,110,803, T>C. VCF-style: chr13-113110803-T-C. GRCh37 (hg19) VCF-style: chr13-113765117-T-C.
Other names: c.244T>C, p.Cys82Arg (NM_000131.5); c.65-3044T>C (NM_001267554.2); short protein forms C60R, C82R.
Identifiers: ClinVar variation 3029413 (VCV003029413.4), dbSNP rs745374448, ClinGen allele CA7059870.
Genomic context (GRCh38, chr13:113,110,803, plus strand): 5'-AACGCGTTCCTGGAGGAGCTGCGGCCGGGCTCCCTGGAGAGGGAGTGCAAGGAGGAGCAG[T>C]GCTCCTTCGAGGAGGCCCGGGAGATCTTCAAGGACGCGGAGAGGACGGTGAGCCCAGCCT-3'
Protein context (NP_062562.1, residues 50-70): SLERECKEEQ[Cys60Arg]SFEEAREIFK